The following is an entry in ClinVar:

NM_004818.3(DDX23):c.1481C>T (p.Pro494Leu)

Gene: DDX23 (DEAD-box helicase 23; minus strand). Cytogenetic location: 12q13.12.
Variant type: single nucleotide variant.
Coding change: c.1481C>T on transcript NM_004818.3 (MANE Select); coding-DNA position 1481, C replaced by T.
Protein change: p.Pro494Leu; replaces proline 494 with leucine.
Molecular consequence: missense variant.
Genome position (GRCh38, 1-based): chr12:48,834,399, G>A on the plus strand (C>T on the coding strand, the complement: DDX23 is on the minus strand). VCF-style: chr12-48834399-G-A. GRCh37 (hg19) VCF-style: chr12-49228182-G-A.
Other names: short protein forms P494L.
Identifiers: ClinVar variation 2209372 (VCV002209372.2), dbSNP rs1938435146, ClinGen allele CA384672309.

ClinVar aggregate classification (germline): Uncertain significance (1 of 4 stars; one submission).

Conditions:
Inborn genetic diseases. Identifiers: MedGen C0950123, MeSH D030342.

Allele frequency attached by ClinVar (database versions not stated): TOPMed below 0.00001; gnomAD exomes 0.00001.
gnomAD v4.1: 13 of 1,614,098 alleles (0.00081%); highest among the groups gnomAD compares: Non-Finnish European, 0.0011%; no homozygotes.

Submission:

Ambry Genetics
Classification: Uncertain significance for Inborn genetic diseases. Last evaluated: 2022-05-11. Review status: criteria provided, single submitter. Criteria: Ambry Variant Classification Scheme 2023. Collection method: clinical testing. Allele origin: germline.
Comment: The c.1481C>T (p.P494L) alteration is located in exon 12 (coding exon 11) of the DDX23 gene. This alteration results from a C to T substitution at nucleotide position 1481, causing the proline (P) at amino acid position 494 to be replaced by a leucine (L). This variant was not reported in population-based cohorts in the Genome Aggregation Database (gnomAD). This amino acid position is highly conserved in available vertebrate species. This missense alteration is located in a region that has a low rate of benign missense variation (Lek, 2016; Firth, 2009). This alteration is predicted to be tolerated by in silico analysis. Based on insufficient or conflicting evidence, the clinical significance of this alteration remains unclear.